The following is an entry in ClinVar:

ClinVar aggregate classification (germline): Uncertain significance (1 of 4 stars; one submission).

Submission:

Labcorp Genetics (formerly Invitae), Labcorp
Classification: Uncertain significance. Last evaluated: 2022-08-30. Review status: criteria provided, single submitter. Criteria: Invitae Variant Classification Sherloc (09022015). Collection method: clinical testing. Allele origin: germline.
Comment: In summary, the available evidence is currently insufficient to determine the role of this variant in disease. Therefore, it has been classified as a Variant of Uncertain Significance. Algorithms developed to predict the effect of missense changes on protein structure and function are either unavailable or do not agree on the potential impact of this missense change (SIFT: "Deleterious"; PolyPhen-2: "Probably Damaging"; Align-GVGD: "Class C0"). This variant has not been reported in the literature in individuals affected with DSCAML1-related conditions. This variant is not present in population databases (gnomAD no frequency). This sequence change replaces tyrosine, which is neutral and polar, with cysteine, which is neutral and slightly polar, at codon 1018 of the DSCAML1 protein (p.Tyr1018Cys).

NM_020693.4(DSCAML1):c.2873A>G (p.Tyr958Cys)

Gene: DSCAML1 (DS cell adhesion molecule like 1; minus strand). Cytogenetic location: 11q23.3.
Variant type: single nucleotide variant.
Coding change: c.2873A>G on transcript NM_020693.4 (MANE Select); coding-DNA position 2873, A replaced by G.
Protein change: p.Tyr958Cys; replaces tyrosine 958 with cysteine.
Molecular consequence: missense variant.
Genome position (GRCh38, 1-based): chr11:117,471,949, T>C on the plus strand (A>G on the coding strand, the complement: DSCAML1 is on the minus strand). VCF-style: chr11-117471949-T-C. GRCh37 (hg19) VCF-style: chr11-117342664-T-C.
Other names: short protein forms Y958C.
Identifiers: ClinVar variation 1936867 (VCV001936867.5), dbSNP rs979240215, ClinGen allele CA229374766.